The following is an entry in ClinVar:

NM_021096.4(CACNA1I):c.4648C>T (p.Arg1550Ter)

Gene: CACNA1I (calcium voltage-gated channel subunit alpha1 I; plus strand). Cytogenetic location: 22q13.1.
Variant type: single nucleotide variant.
Coding change: c.4648C>T on transcript NM_021096.4 (MANE Select); coding-DNA position 4648, C replaced by T.
Protein change: p.Arg1550Ter; replaces arginine 1550 with a stop codon.
Molecular consequence: nonsense.
Genome position (GRCh38, 1-based): chr22:39,672,307, C>T. VCF-style: chr22-39672307-C-T. GRCh37 (hg19) VCF-style: chr22-40068312-C-T.
Other names: c.4543C>T, p.Arg1515Ter (NM_001003406.2); short protein forms R1515*, R1550*.
Identifiers: ClinVar variation 2630484 (VCV002630484.1), dbSNP rs747185563, ClinGen allele CA10244757.

ClinVar aggregate classification (germline): Uncertain significance (1 of 4 stars; one submission).

Conditions:
CACNA1I-related disorder. Also called: CACNA1I-related condition.

gnomAD v4.1: 8 of 1,599,476 alleles (0.0005%); highest among the groups gnomAD compares: Admixed American, 0.0017%; no homozygotes.

Submission:

PreventionGenetics, part of Exact Sciences
Classification: Uncertain significance for CACNA1I-related condition. Last evaluated: 2023-02-21. Review status: criteria provided, single submitter. Criteria: ACMG Guidelines, 2015. Collection method: clinical testing. Allele origin: germline.
Comment: The CACNA1I c.4648C>T variant is predicted to result in premature protein termination (p.Arg1550*). To our knowledge, this variant has not been reported in the literature. This variant is reported in 0.0029% of alleles in individuals of Latino descent in gnomAD. Premature termination of CACNA1I has not been established as a mechanism of disease. At this time, the clinical significance of this variant is uncertain due to the absence of conclusive functional and genetic evidence.